The following is an entry in ClinVar:

NM_005896.4(IDH1):c.662G>T (p.Gly221Val)

Gene: IDH1 (isocitrate dehydrogenase (NADP(+)) 1; minus strand). Cytogenetic location: 2q34.
Variant type: single nucleotide variant.
Coding change: c.662G>T on transcript NM_005896.4 (MANE Select); coding-DNA position 662, G replaced by T.
Protein change: p.Gly221Val; replaces glycine 221 with valine.
Molecular consequence: missense variant.
Genome position (GRCh38, 1-based): chr2:208,243,463, C>A on the plus strand (G>T on the coding strand, the complement: IDH1 is on the minus strand). VCF-style: chr2-208243463-C-A. GRCh37 (hg19) VCF-style: chr2-209108187-C-A.
Other names: c.662G>T, p.Gly221Val (NM_001282386.1, NM_001282387.1); short protein forms G221V.
Identifiers: ClinVar variation 1754570 (VCV001754570.2), dbSNP rs2124853852, ClinGen allele CA350098844.

ClinVar aggregate classification (germline): Uncertain significance (1 of 4 stars; one submission).

Submission:

Ambry Genetics
Classification: Uncertain significance. Last evaluated: 2021-11-03. Review status: criteria provided, single submitter. Criteria: Ambry Variant Classification Scheme 2023. Collection method: clinical testing. Allele origin: germline.
Comment: The p.G221V variant (also known as c.662G>T), located in coding exon 4 of the IDH1 gene, results from a G to T substitution at nucleotide position 662. The glycine at codon 221 is replaced by valine, an amino acid with dissimilar properties. This amino acid position is conserved. In addition, this alteration is predicted to be deleterious by in silico analysis. Since supporting evidence is limited at this time, the clinical significance of this alteration remains unclear.